The following is an entry in ClinVar:

NM_002637.4(PHKA1):c.1964G>A (p.Arg655His)

Gene: PHKA1 (phosphorylase kinase regulatory subunit alpha 1; minus strand). Cytogenetic location: Xq13.1.
Variant type: single nucleotide variant.
Coding change: c.1964G>A on transcript NM_002637.4 (MANE Select); coding-DNA position 1964, G replaced by A.
Protein change: p.Arg655His; replaces arginine 655 with histidine.
Molecular consequence: missense variant. On other transcripts: intron variant (1).
Genome position (GRCh38, 1-based): chrX:72,620,898, C>T on the plus strand (G>A on the coding strand, the complement: PHKA1 is on the minus strand). VCF-style: chrX-72620898-C-T. GRCh37 (hg19) VCF-style: chrX-71840748-C-T.
Other names: c.1964G>A, p.Arg655His (NM_001122670.2); c.1961-1593G>A (NM_001172436.2); short protein forms R655H.
Identifiers: ClinVar variation 912575 (VCV000912575.10), dbSNP rs782528091, ClinGen allele CA10450784.

ClinVar aggregate classification (germline): Conflicting classifications of pathogenicity. Review status: criteria provided, conflicting classifications (1 of 4 stars). 3 submissions from 3 submitters: Uncertain significance (2); Likely benign (1). Last evaluated 2025-11-24.

Conditions:
Inborn genetic diseases. Identifiers: MedGen C0950123, MeSH D030342.
Glycogen storage disease IXd (GSD9D). Also called: GSD IXd; Muscle Phosphorylase Kinase Deficiency. Identifiers: Orphanet 715, MedGen C1845151, MONDO:0010362, OMIM 300559.

Allele frequency attached by ClinVar (database versions not stated): ExAC 0.00005; gnomAD exomes 0.00007; TOPMed 0.00008.
gnomAD v4.1: 21 of 1,207,552 alleles (0.0017%); highest among the groups gnomAD compares: Admixed American, 0.035%; 1 homozygote.

Submissions (3):

Labcorp Genetics (formerly Invitae), Labcorp
Classification: Uncertain significance for Glycogen storage disease IXd. Last evaluated: 2025-11-24. Review status: criteria provided, single submitter. Criteria: Invitae Variant Classification Sherloc (09022015). Collection method: clinical testing. Allele origin: germline.
Comment: This sequence change replaces arginine, which is basic and polar, with histidine, which is basic and polar, at codon 655 of the PHKA1 protein (p.Arg655His). This variant is present in population databases (rs782528091, gnomAD 0.03%). This variant has not been reported in the literature in individuals affected with PHKA1-related conditions. ClinVar contains an entry for this variant (Variation ID: 912575). Invitae Evidence Modeling of protein sequence and biophysical properties (such as structural, functional, and spatial information, amino acid conservation, physicochemical variation, residue mobility, and thermodynamic stability) indicates that this missense variant is not expected to disrupt PHKA1 protein function with a negative predictive value of 80%. In summary, the available evidence is currently insufficient to determine the role of this variant in disease. Therefore, it has been classified as a Variant of Uncertain Significance.

Ambry Genetics
Classification: Uncertain significance for Inborn genetic diseases. Last evaluated: 2023-03-14. Review status: criteria provided, single submitter. Criteria: Ambry Variant Classification Scheme 2023. Collection method: clinical testing. Allele origin: germline.

Illumina Laboratory Services, Illumina
Classification: Likely benign for Glycogen storage disease IXd. Last evaluated: 2018-01-13. Review status: criteria provided, single submitter. Criteria: ICSL Variant Classification Criteria 13 December 2019. Collection method: clinical testing. Allele origin: germline.
Comment: This variant was observed in the ICSL laboratory as part of a predisposition screen in an ostensibly healthy population. It had not been previously curated by ICSL or reported in the Human Gene Mutation Database (HGMD: prior to June 1st, 2018), and was therefore a candidate for classification through an automated scoring system. Utilizing variant allele frequency, disease prevalence and penetrance estimates, and inheritance mode, an automated score was calculated to assess if this variant is too frequent to cause the disease. Based on the score and internal cut-off values, a variant classified as likely benign is not then subjected to further curation. The score for this variant resulted in a classification of likely benign for this disease.